The following is an entry in ClinVar:

ClinVar aggregate classification (germline): Uncertain significance (1 of 4 stars; one submission).

Conditions:
Infantile-onset ascending hereditary spastic paralysis (IAHSP). Also called: Infantile-Onset Ascending Hereditary Spastic Paralysis (IAHSP); Autosomal Recessive Juvenile Amyotrophic Lateral Sclerosis. Identifiers: Orphanet 293168, MedGen C2931441, MONDO:0011797, OMIM 607225. Disease mechanism: loss of function.

Allele frequency attached by ClinVar (database versions not stated): gnomAD 0.00002 and 0.00005; gnomAD exomes 0.00004 and 0.00007; ExAC 0.00007; ESP Exome Variant Server 0.00008; TOPMed 0.00008.

Submission:

Labcorp Genetics (formerly Invitae), Labcorp
Classification: Uncertain significance for Infantile-onset ascending hereditary spastic paralysis. Last evaluated: 2024-12-02. Review status: criteria provided, single submitter. Criteria: Invitae Variant Classification Sherloc (09022015). Collection method: clinical testing. Allele origin: germline.
Comment: This sequence change replaces glycine, which is neutral and non-polar, with arginine, which is basic and polar, at codon 13 of the ALS2 protein (p.Gly13Arg). This variant is present in population databases (rs367871772, gnomAD 0.04%). This missense change has been observed in individual(s) with amyotrophic lateral sclerosis (PMID: 35896380). ClinVar contains an entry for this variant (Variation ID: 1009579). An algorithm developed to predict the effect of missense changes on protein structure and function (PolyPhen-2) suggests that this variant is likely to be disruptive. In summary, the available evidence is currently insufficient to determine the role of this variant in disease. Therefore, it has been classified as a Variant of Uncertain Significance.

Literature cited by the submitters: PubMed 35896380.

NM_020919.4(ALS2):c.37G>A (p.Gly13Arg)

Gene: ALS2 (alsin Rho guanine nucleotide exchange factor ALS2; minus strand). Cytogenetic location: 2q33.1.
Variant type: single nucleotide variant.
Coding change: c.37G>A on transcript NM_020919.4 (MANE Select); coding-DNA position 37, G replaced by A.
Protein change: p.Gly13Arg; replaces glycine 13 with arginine.
Molecular consequence: missense variant.
Genome position (GRCh38, 1-based): chr2:201,767,367, C>T on the plus strand (G>A on the coding strand, the complement: ALS2 is on the minus strand). VCF-style: chr2-201767367-C-T. GRCh37 (hg19) VCF-style: chr2-202632090-C-T.
Other names: c.37G>A, p.Gly13Arg (NM_001135745.2); short protein forms G13R.
Identifiers: ClinVar variation 1009579 (VCV001009579.5), dbSNP rs367871772, ClinGen allele CA2058736.
Genomic context (GRCh38, chr2:201,767,367, plus strand): 5'-CTGGTGTTATGGGAAAGGATCCTGCCTGCCAGATATGGACCAGGCCTCTTTCCTTGGATC[C>T]TTCTGCCTCTGTTGAGCTAAAACATCAAGAAACATAGCTTAATTGTTTCTACAATTCAGA-3'
Protein context (NP_065970.2, residues 3-23): SKKRSSTEAE[Gly13Arg]SKERGLVHIW